The following is an entry in ClinVar:

NM_022132.5(MCCC2):c.464G>A (p.Arg155Gln)

Gene: MCCC2 (methylcrotonyl-CoA carboxylase subunit 2; plus strand). Cytogenetic location: 5q13.2.
Variant type: single nucleotide variant.
Coding change: c.464G>A on transcript NM_022132.5 (MANE Select); coding-DNA position 464, G replaced by A.
Protein change: p.Arg155Gln; replaces arginine 155 with glutamine.
Molecular consequence: missense variant.
Genome position (GRCh38, 1-based): chr5:71,602,586, G>A. VCF-style: chr5-71602586-G-A. GRCh37 (hg19) VCF-style: chr5-70898413-G-A.
Other names: c.464G>A, p.Arg155Gln (NM_001363147.1); c.464G>A (NM_022132.4); short protein forms R155Q.
Identifiers: ClinVar variation 1921 (VCV000001921.17), dbSNP rs119103220, ClinGen allele CA251967.
Genomic context (GRCh38, chr5:71,602,586, plus strand): 5'-CCAATGATGCCACCGTCAAAGGAGGTGCCTACTACCCAGTGACTGTGAAAAAACAATTAC[G>A]GGCCCAAGAAATTGCCATGCAAAACAGGCTCCCCTGCATCTACTTAGGCAAGTCACCAGA-3'
Protein context (NP_071415.1, residues 145-165): YYPVTVKKQL[Arg155Gln]AQEIAMQNRL

ClinVar aggregate classification (germline): Pathogenic/Likely pathogenic. Review status: criteria provided, multiple submitters, no conflicts (2 of 4 stars). 6 submissions from 6 submitters: Pathogenic (2); Likely pathogenic (3). 1 of the submissions does not count toward it. Last evaluated 2026-01-11.

Conditions:
3-methylcrotonyl-CoA carboxylase 2 deficiency. Also called: 3 alpha methylcrotonyl-CoA carboxylase 2 deficiency; 3 alpha methylcrotonylglycinuria 2; MCC 2 deficiency; Methylcrotonylglycinuria type 2; METHYLCROTONYLGLYCINURIA, TYPE II. Identifiers: Orphanet 6, MedGen C1859499, MONDO:0008862, OMIM 210210.

Allele frequency attached by ClinVar (database versions not stated): gnomAD 0.00001; gnomAD exomes below 0.00001.
gnomAD v4.1: 8 of 1,613,942 alleles (0.0005%); highest among the groups gnomAD compares: African/African-American, 0.0013%; no homozygotes.

Submissions (6):

Labcorp Genetics (formerly Invitae), Labcorp
Classification: Pathogenic for 3-methylcrotonyl-CoA carboxylase 2 deficiency. Last evaluated: 2026-01-11. Review status: criteria provided, single submitter. Criteria: Invitae Variant Classification Sherloc (09022015). Collection method: clinical testing. Allele origin: germline.
Comment: This sequence change replaces arginine, which is basic and polar, with glutamine, which is neutral and polar, at codon 155 of the MCCC2 protein (p.Arg155Gln). This variant is present in population databases (rs119103220, gnomAD 0.01%). This missense change has been observed in individual(s) with 3 Methylcrotonyl-CoA carboxylase deficiency (PMID: 11181649). ClinVar contains an entry for this variant (Variation ID: 1921). Invitae Evidence Modeling of protein sequence and biophysical properties (such as structural, functional, and spatial information, amino acid conservation, physicochemical variation, residue mobility, and thermodynamic stability) indicates that this missense variant is expected to disrupt MCCC2 protein function with a positive predictive value of 80%. Experimental studies have shown that this missense change affects MCCC2 function (PMID: 11181649). This variant disrupts the p.Arg155 amino acid residue in MCCC2. Other variant(s) that disrupt this residue have been determined to be pathogenic (PMID: 16010683, 22642865, 26566957). This suggests that this residue is clinically significant, and that variants that disrupt this residue are likely to be disease-causing. For these reasons, this variant has been classified as Pathogenic.

Intergen Genetics and Rare Diseases Diagnosis Center
Classification: Pathogenic for 3-methylcrotonyl-CoA carboxylase 2 deficiency. Last evaluated: 2025-11-05. Review status: criteria provided, single submitter. Criteria: ACMG Guidelines, 2015. Collection method: clinical testing. Allele origin: germline. Inheritance: Autosomal recessive inheritance. Affected: yes. Observed: 1 homozygote.
Comment: Published functional studies support a damaging effect on MCCC2 activity (PS3_Supporting). The variant is located in a critical functional domain and previously defined mutational hotspot (PM1), is extremely rare in population databases (PM2), and a different amino acid change at the same residue has been reported as pathogenic (PM5). MCCC2 is a gene with a low rate of benign missense variation and missense changes are a known disease mechanism (PP2). Multiple computational algorithms predict a deleterious effect (PP3). Taken together, these data support a Pathogenic classification.

Natera, Inc.
Classification: Likely pathogenic for 3-methylcrotonyl-CoA carboxylase 2 deficiency. Last evaluated: 2025-06-24. Review status: criteria provided, single submitter. Criteria: Natera Variant Classification Schema (03/2026). Collection method: clinical testing. Allele origin: germline.
Comment: The c.464G>A variant in MCCC2 is a missense variant predicted to cause substitution of arginine to glutamine at amino acid 155. This variant is rare in the general population with a frequency below the threshold expected for the associated phenotype(s). This variant has been observed in one or more individuals affected with the associated recessive disease, as either homozygous or compound heterozygous with a second variant (PMID: 25356967, 22642865). Functional studies show that this variant may disrupt protein function (PMID: 11181649). A different variant at the same position has been determined to be Pathogenic or Likely Pathogenic. Computational prediction algorithms indicate this variant is likely to affect gene or protein function. Given the available evidence, this variant is classified as Likely Pathogenic.

Fulgent Genetics
Classification: Likely pathogenic for 3-methylcrotonyl-CoA carboxylase 2 deficiency. Last evaluated: 2024-02-01. Review status: criteria provided, single submitter. Criteria: ACMG Guidelines, 2015. Collection method: clinical testing. Allele origin: germline.

Genetics and Molecular Pathology, SA Pathology
Classification: Likely pathogenic for 3-methylcrotonyl-CoA carboxylase 2 deficiency. Last evaluated: 2021-12-16. Review status: criteria provided, single submitter. Criteria: ACMG Guidelines, 2015. Collection method: clinical testing. Allele origin: germline. Inheritance: Autosomal recessive inheritance. Affected: yes.

OMIM
Classification: Pathogenic for 3-METHYLCROTONYL-CoA CARBOXYLASE 2 DEFICIENCY. Last evaluated: 2001-02-01. Review status: no assertion criteria provided. Collection method: literature only. Allele origin: germline. Not counted in ClinVar's aggregate classification.

Literature cited by the submitters: PubMed 11181649 (cited by 4 submitters); PubMed 16010683 (cited by Labcorp Genetics (formerly Invitae), Labcorp and Intergen Genetics and Rare Diseases Diagnosis Center); PubMed 22642865 (cited by 3 submitters); PubMed 26566957 (cited by Labcorp Genetics (formerly Invitae), Labcorp and Intergen Genetics and Rare Diseases Diagnosis Center); PubMed 25356967 (cited by Natera, Inc.); PubMed 7128647 (cited by OMIM).